The following is an entry in ClinVar:

ClinVar aggregate classification (germline): Uncertain significance (1 of 4 stars; one submission).

Conditions:
Intellectual developmental disorder, autosomal dominant 1. Also called: Intellectual disability, autosomal dominant 1; MBD5 Haploinsufficiency. Identifiers: Orphanet 228402, MedGen C1969562, MONDO:0007974, OMIM 156200.

Allele frequency attached by ClinVar (database versions not stated): gnomAD exomes below 0.00001.
gnomAD v4.1: 4 of 1,614,036 alleles (0.00025%); highest among the groups gnomAD compares: Non-Finnish European, 0.00034%; no homozygotes.

Submission:

Labcorp Genetics (formerly Invitae), Labcorp
Classification: Uncertain significance for Intellectual developmental disorder, autosomal dominant 1. Last evaluated: 2021-08-11. Review status: criteria provided, single submitter. Criteria: Invitae Variant Classification Sherloc (09022015). Collection method: clinical testing. Allele origin: germline.
Comment: Algorithms developed to predict the effect of missense changes on protein structure and function are either unavailable or do not agree on the potential impact of this missense change (SIFT: "Deleterious"; PolyPhen-2: "Benign"; Align-GVGD: "Class C45"). This sequence change replaces serine with asparagine at codon 421 of the MBD5 protein (p.Ser421Asn). The serine residue is highly conserved and there is a small physicochemical difference between serine and asparagine. This variant is not present in population databases (ExAC no frequency). This variant has not been reported in the literature in individuals affected with MBD5-related conditions. In summary, the available evidence is currently insufficient to determine the role of this variant in disease. Therefore, it has been classified as a Variant of Uncertain Significance.

NM_001378120.1(MBD5):c.1262G>A (p.Ser421Asn)

Gene: MBD5 (methyl-CpG binding domain protein 5; plus strand). Cytogenetic location: 2q23.1.
Variant type: single nucleotide variant.
Coding change: c.1262G>A on transcript NM_001378120.1 (MANE Select); coding-DNA position 1262, G replaced by A.
Protein change: p.Ser421Asn; replaces serine 421 with asparagine.
Molecular consequence: missense variant.
Genome position (GRCh38, 1-based): chr2:148,469,205, G>A. VCF-style: chr2-148469205-G-A. GRCh37 (hg19) VCF-style: chr2-149226774-G-A.
Other names: c.1262G>A, p.Ser421Asn (NM_018328.5); short protein forms S421N.
Identifiers: ClinVar variation 1465176 (VCV001465176.6), dbSNP rs2105631080, ClinGen allele CA348719322.